The following is an entry in ClinVar:

ClinVar aggregate classification (germline): Uncertain significance (1 of 4 stars; one submission).

Conditions:
Hereditary sensory and autonomic neuropathy type 7. Also called: HSAN VII; Neuropathy, hereditary sensory and autonomic, type VII. Identifiers: Orphanet 391397, MedGen C3809882, MONDO:0014244, OMIM 615548.
Familial episodic pain syndrome with predominantly lower limb involvement. Also called: Episodic pain syndrome, familial, 3. Identifiers: Orphanet 391384, Orphanet 391392, MedGen C3809899, MONDO:0014247, OMIM 615552.

Submission:

Labcorp Genetics (formerly Invitae), Labcorp
Classification: Uncertain significance for Familial episodic pain syndrome with predominantly lower limb involvement; Hereditary sensory and autonomic neuropathy type 7. Last evaluated: 2023-04-22. Review status: criteria provided, single submitter. Criteria: Invitae Variant Classification Sherloc (09022015). Collection method: clinical testing. Allele origin: germline.
Comment: Advanced modeling of protein sequence and biophysical properties (such as structural, functional, and spatial information, amino acid conservation, physicochemical variation, residue mobility, and thermodynamic stability) performed at Invitae indicates that this missense variant is expected to disrupt SCN11A protein function. In summary, the available evidence is currently insufficient to determine the role of this variant in disease. Therefore, it has been classified as a Variant of Uncertain Significance. Algorithms developed to predict the effect of sequence changes on RNA splicing suggest that this variant may disrupt the consensus splice site. This variant has not been reported in the literature in individuals affected with SCN11A-related conditions. This variant is not present in population databases (gnomAD no frequency). This sequence change replaces asparagine, which is neutral and polar, with tyrosine, which is neutral and polar, at codon 812 of the SCN11A protein (p.Asn812Tyr).

NM_001349253.2(SCN11A):c.2434A>T (p.Asn812Tyr)

Gene: SCN11A (sodium voltage-gated channel alpha subunit 11; minus strand). Cytogenetic location: 3p22.2.
Variant type: single nucleotide variant.
Coding change: c.2434A>T on transcript NM_001349253.2 (MANE Select); coding-DNA position 2434, A replaced by T.
Protein change: p.Asn812Tyr; replaces asparagine 812 with tyrosine.
Molecular consequence: missense variant.
Genome position (GRCh38, 1-based): chr3:38,894,934, T>A on the plus strand (A>T on the coding strand, the complement: SCN11A is on the minus strand). VCF-style: chr3-38894934-T-A. GRCh37 (hg19) VCF-style: chr3-38936425-T-A.
Other names: c.2434A>T, p.Asn812Tyr (NM_014139.3); short protein forms N812Y.
Identifiers: ClinVar variation 2946984 (VCV002946984.3), dbSNP rs1323637956, ClinGen allele CA352175158.